The following is an entry in ClinVar:

NM_000074.3(CD40LG):c.111_141del (p.Gly38fs)

Gene: CD40LG (CD40 ligand; plus strand). Cytogenetic location: Xq26.3.
Variant type: Deletion.
Coding change: c.111_141del on transcript NM_000074.3 (MANE Select); coding-DNA positions 111 to 141, 31 bases deleted.
Protein change: p.Gly38fs; shifts the reading frame from glycine 38.
Molecular consequence: frameshift variant.
Genome position (GRCh38, 1-based): chrX:136,648,359-136,648,389, 31 bases deleted; deleting any 31 consecutive bases within chrX:136,648,357-136,648,389 gives the same sequence; the c. name uses the placement nearest the transcript's 3' end. GRCh37 (hg19): chrX:135,730,518-135,730,548.
Other names: short protein forms G38fs.
Identifiers: ClinVar variation 2819043 (VCV002819043.3), dbSNP rs2522103865, ClinGen allele CA2739273783.

ClinVar aggregate classification (germline): Pathogenic (1 of 4 stars; one submission).

Conditions:
Hyper-IgM syndrome type 1. Also called: Hyper-IgM Immunodeficiency Syndrome, Type 1; X-linked hyper-IgM syndrome; Immunodeficiency, X-linked, with hyper-IgM; CD40 Ligand Deficiency. Identifiers: Orphanet 101088, MedGen C0398689, MONDO:0010626, OMIM 308230.

Submission:

Labcorp Genetics (formerly Invitae), Labcorp
Classification: Pathogenic for Hyper-IgM syndrome type 1. Last evaluated: 2022-12-08. Review status: criteria provided, single submitter. Criteria: Invitae Variant Classification Sherloc (09022015). Collection method: clinical testing. Allele origin: germline.
Comment: For these reasons, this variant has been classified as Pathogenic. This variant has not been reported in the literature in individuals affected with CD40LG-related conditions. This variant is not present in population databases (gnomAD no frequency). This sequence change creates a premature translational stop signal (p.Gly38Glufs*6) in the CD40LG gene. It is expected to result in an absent or disrupted protein product. Loss-of-function variants in CD40LG are known to be pathogenic (PMID: 15319456).

Literature cited by the submitters: PubMed 15319456.